The following is an entry in ClinVar:

ClinVar aggregate classification (germline): Uncertain significance (1 of 4 stars; one submission).

Allele frequency attached by ClinVar (database versions not stated): gnomAD 0.00001; gnomAD exomes 0.00001 and 0.00002; ExAC 0.00003; TOPMed 0.00003; ESP Exome Variant Server 0.00008.
gnomAD v4.1: 19 of 1,592,204 alleles (0.0012%); highest among the groups gnomAD compares: African/African-American, 0.0027%; no homozygotes.

Submission:

Labcorp Genetics (formerly Invitae), Labcorp
Classification: Uncertain significance. Last evaluated: 2025-09-08. Review status: criteria provided, single submitter. Criteria: Invitae Variant Classification Sherloc (09022015). Collection method: clinical testing. Allele origin: germline.
Comment: This sequence change replaces aspartic acid, which is acidic and polar, with asparagine, which is neutral and polar, at codon 1025 of the ARHGEF18 protein (p.Asp1025Asn). The frequency data for this variant in the population databases is considered unreliable, as metrics indicate poor data quality at this position in the gnomAD database. This variant has not been reported in the literature in individuals affected with ARHGEF18-related conditions. ClinVar contains an entry for this variant (Variation ID: 1035391). An algorithm developed to predict the effect of missense changes on protein structure and function (PolyPhen-2) suggests that this variant is likely to be disruptive. In summary, the available evidence is currently insufficient to determine the role of this variant in disease. Therefore, it has been classified as a Variant of Uncertain Significance.

NM_001367823.1(ARHGEF18):c.3637G>A (p.Asp1213Asn)

Gene: ARHGEF18 (Rho/Rac guanine nucleotide exchange factor 18; plus strand). Cytogenetic location: 19p13.2.
Variant type: single nucleotide variant.
Coding change: c.3637G>A on transcript NM_001367823.1 (MANE Select); coding-DNA position 3637, G replaced by A.
Protein change: p.Asp1213Asn; replaces aspartic acid 1213 with asparagine.
Molecular consequence: missense variant.
Genome position (GRCh38, 1-based): chr19:7,468,981, G>A. VCF-style: chr19-7468981-G-A. GRCh37 (hg19) VCF-style: chr19-7533867-G-A.
Other names: c.2911G>A, p.Asp971Asn (NM_001130955.2); c.2599G>A, p.Asp867Asn (NM_001367824.1, NM_015318.4); short protein forms D867N, D971N, D1213N.
Identifiers: ClinVar variation 1035391 (VCV001035391.6), dbSNP rs374597663, ClinGen allele CA9137203.